The following is an entry in ClinVar:

ClinVar aggregate classification (germline): Uncertain significance (1 of 4 stars; one submission).

Conditions:
Hereditary spastic paraplegia 31. Also called: SPASTIC PARAPLEGIA 31, AUTOSOMAL DOMINANT. Identifiers: Orphanet 101011, MedGen C1853247, MONDO:0012453, OMIM 610250.

Allele frequency attached by ClinVar (database versions not stated): gnomAD exomes below 0.00001; ExAC 0.00001.
gnomAD v4.1: 5 of 1,599,962 alleles (0.00031%); highest among the groups gnomAD compares: Non-Finnish European, 0.00042%; no homozygotes.

Submission:

Labcorp Genetics (formerly Invitae), Labcorp
Classification: Uncertain significance for Hereditary spastic paraplegia 31. Last evaluated: 2019-11-02. Review status: criteria provided, single submitter. Criteria: Invitae Variant Classification Sherloc (09022015). Collection method: clinical testing. Allele origin: germline.
Comment: In summary, the available evidence is currently insufficient to determine the role of this variant in disease. Therefore, it has been classified as a Variant of Uncertain Significance. Nucleotide substitutions within the consensus splice site are a relatively common cause of aberrant splicing (PMID: 17576681, 9536098). Algorithms developed to predict the effect of sequence changes on RNA splicing suggest that this variant is not likely to affect RNA splicing, but this prediction has not been confirmed by published transcriptional studies. This variant has not been reported in the literature in individuals with REEP1-related conditions. This variant is present in population databases (rs762291002, ExAC 0.002%). This sequence change falls in intron 5 of the REEP1 gene. It does not directly change the encoded amino acid sequence of the REEP1 protein, but it affects a nucleotide within the consensus splice site of the intron.

Literature cited by the submitters: PubMed 17576681; PubMed 9536098.

NM_001371279.1(REEP1):c.418-3C>T

Gene: REEP1 (receptor accessory protein 1; minus strand). Cytogenetic location: 2p11.2.
Variant type: single nucleotide variant.
Coding change: c.418-3C>T on transcript NM_001371279.1 (MANE Select); 3 bases into the intron before coding-DNA position 418, C replaced by T.
Molecular consequence: intron variant.
Genome position (GRCh38, 1-based): chr2:86,232,805, G>A on the plus strand (C>T on the coding strand, the complement: REEP1 is on the minus strand). VCF-style: chr2-86232805-G-A. GRCh37 (hg19) VCF-style: chr2-86459928-G-A.
Other names: c.439-3C>T (NM_001164730.2); c.337-3C>T (NM_001164731.2); c.183-3C>T (NM_001164732.2); c.418-15695C>T (NM_001371280.1); c.418-3C>T (NM_022912.3).
Identifiers: ClinVar variation 957163 (VCV000957163.9), dbSNP rs762291002, ClinGen allele CA1748718.